The following is an entry in ClinVar:

NM_000548.5(TSC2):c.2473G>C (p.Val825Leu)

Gene: TSC2 (TSC complex subunit 2; plus strand). Cytogenetic location: 16p13.3.
Variant type: single nucleotide variant.
Coding change: c.2473G>C on transcript NM_000548.5 (MANE Select); coding-DNA position 2473, G replaced by C.
Protein change: p.Val825Leu; replaces valine 825 with leucine.
Molecular consequence: missense variant.
Genome position (GRCh38, 1-based): chr16:2,074,317, G>C. VCF-style: chr16-2074317-G-C. GRCh37 (hg19) VCF-style: chr16-2124318-G-C.
Other names: c.2473G>C, p.Val825Leu (NM_001077183.3, NM_001114382.3, NM_001363528.2 and 3 more transcripts); c.2362G>C, p.Val788Leu (NM_001318827.2); c.2326G>C, p.Val776Leu (NM_001318829.2); c.1873G>C, p.Val625Leu (NM_001318831.2); c.2506G>C, p.Val836Leu (NM_001318832.2); short protein forms V825L, V625L, V836L, V776L, V788L.
Identifiers: ClinVar variation 405987 (VCV000405987.17), dbSNP rs149860212, ClinGen allele CA039144.
Genomic context (GRCh38, chr16:2,074,317, plus strand): 5'-GTCGTGGCCTTGTCCATCTGCAGCGTGGAGATGCCTGACATCATCATCAAGGCGCTGCCT[G>C]TTCTGGTGGTGAAGCTCACGCACATCTCAGCCACAGCCAGCATGGCCGTCCCACTGCTGG-3'
Protein context (NP_000539.2, residues 815-835): MPDIIIKALP[Val825Leu]LVVKLTHISA

ClinVar aggregate classification (germline): Conflicting classifications of pathogenicity. Review status: criteria provided, conflicting classifications (1 of 4 stars). 3 submissions from 3 submitters: Uncertain significance (2); Benign (1). Last evaluated 2025-09-24.

Conditions:
Hereditary cancer-predisposing syndrome. Also called: Tumor predisposition; Neoplastic Syndromes, Hereditary; Hereditary Cancer Syndrome; Hereditary neoplastic syndrome. Identifiers: Orphanet 140162, MedGen C0027672, MeSH D009386, MONDO:0015356.
Tuberous sclerosis syndrome (TSC). Also called: Tuberous Sclerosis Complex; Tuberous sclerosis. Identifiers: Orphanet 805, MedGen C0041341, MONDO:0001734.
Tuberous sclerosis 2 (TSC2). Identifiers: Orphanet 805, MedGen C1860707, MONDO:0013199, OMIM 613254.

gnomAD v4.1: 2 of 1,613,060 alleles (0.00012%); highest among the groups gnomAD compares: Non-Finnish European, 0.00017%; no homozygotes.

Submissions (3):

Labcorp Genetics (formerly Invitae), Labcorp
Classification: Benign for Tuberous sclerosis 2. Last evaluated: 2025-09-24. Review status: criteria provided, single submitter. Criteria: Invitae Variant Classification Sherloc (09022015). Collection method: clinical testing. Allele origin: germline.

Ambry Genetics
Classification: Uncertain significance for Hereditary cancer-predisposing syndrome. Last evaluated: 2024-06-17. Review status: criteria provided, single submitter. Criteria: Ambry Variant Classification Scheme 2023. Collection method: clinical testing. Allele origin: germline.
Comment: The p.V825L variant (also known as c.2473G>C), located in coding exon 21 of the TSC2 gene, results from a G to C substitution at nucleotide position 2473. The valine at codon 825 is replaced by leucine, an amino acid with highly similar properties. This amino acid position is not well conserved in available vertebrate species. In addition, the in silico prediction for this alteration is inconclusive. Based on the available evidence, the clinical significance of this variant remains unclear.

All of Us Research Program, National Institutes of Health
Classification: Uncertain significance for Tuberous sclerosis syndrome. Last evaluated: 2024-05-09. Review status: criteria provided, single submitter. Criteria: ACMG Guidelines, 2015. Collection method: clinical testing. Allele origin: germline. Inheritance: Autosomal dominant inheritance. Observed: 2 variant alleles, 2 heterozygotes.
Comment: This missense variant replaces valine with leucine at codon 825 of the TSC2 protein. Computational prediction is inconclusive regarding the impact of this variant on protein structure and function (internally defined REVEL score threshold 0.5 < inconclusive < 0.7, PMID: 27666373). To our knowledge, functional studies have not been reported for this variant. This variant has not been reported in individuals affected with TSC2-related disorders in the literature. This variant has been identified in 2/250532 chromosomes in the general population by the Genome Aggregation Database (gnomAD). The available evidence is insufficient to determine the role of this variant in disease conclusively. Therefore, this variant is classified as a Variant of Uncertain Significance.

This study involves interpretation of variants in research participants for the purpose of population health screening. Participant phenotype was not available at the time of variant classification. Additional details can be found in publication PMID: 35346344, PMCID: PMC8962531